The following is an entry in ClinVar:

ClinVar aggregate classification (germline): Uncertain significance (1 of 4 stars; one submission).

Conditions:
Inborn genetic diseases. Identifiers: MedGen C0950123, MeSH D030342.

gnomAD v4.1: 1 of 1,614,052 alleles (0.000062%); no homozygotes.

Submission:

Ambry Genetics
Classification: Uncertain significance for Inborn genetic diseases. Last evaluated: 2025-10-23. Review status: criteria provided, single submitter. Criteria: Ambry Variant Classification Scheme 2023. Collection method: clinical testing. Allele origin: germline.
Comment: The c.1826A>G (p.Q609R) alteration is located in exon 16 (coding exon 15) of the TAOK1 gene. This alteration results from a A to G substitution at nucleotide position 1826, causing the glutamine (Q) at amino acid position 609 to be replaced by an arginine (R). Based on data from gnomAD, the G allele has an overall frequency of <0.001% (1/251282) total alleles studied. The highest observed frequency was <0.001% (/) of alleles. Based on insufficient or conflicting evidence, the clinical significance of this alteration remains unclear.

NM_020791.4(TAOK1):c.1826A>G (p.Gln609Arg)

Gene: TAOK1 (TAO kinase 1; plus strand). Cytogenetic location: 17q11.2.
Variant type: single nucleotide variant.
Coding change: c.1826A>G on transcript NM_020791.4 (MANE Select); coding-DNA position 1826, A replaced by G.
Protein change: p.Gln609Arg; replaces glutamine 609 with arginine.
Molecular consequence: missense variant. On other transcripts: intron variant (1).
Genome position (GRCh38, 1-based): chr17:29,517,574, A>G. VCF-style: chr17-29517574-A-G. GRCh37 (hg19) VCF-style: chr17-27844592-A-G.
Other names: c.1704+6582A>G (NM_025142.1); short protein forms Q609R.
Identifiers: ClinVar variation 4632646 (VCV004632646.1).